The following is an entry in ClinVar:

ClinVar aggregate classification (germline): Uncertain significance (1 of 4 stars; one submission).

Allele frequency attached by ClinVar (database versions not stated): gnomAD 0.00001; gnomAD exomes 0.00001; ExAC 0.00002.
gnomAD v4.1: 5 of 1,613,920 alleles (0.00031%); highest among the groups gnomAD compares: South Asian, 0.0055%; no homozygotes.

Submission:

Labcorp Genetics (formerly Invitae), Labcorp
Classification: Uncertain significance. Last evaluated: 2022-04-17. Review status: criteria provided, single submitter. Criteria: Invitae Variant Classification Sherloc (09022015). Collection method: clinical testing. Allele origin: germline.
Comment: This sequence change replaces valine, which is neutral and non-polar, with isoleucine, which is neutral and non-polar, at codon 151 of the CLRN1 protein (p.Val151Ile). This variant is present in population databases (rs753233584, gnomAD 0.01%). This variant has not been reported in the literature in individuals affected with CLRN1-related conditions. Algorithms developed to predict the effect of missense changes on protein structure and function output the following: SIFT: "Tolerated"; PolyPhen-2: "Benign"; Align-GVGD: "Class C0". The isoleucine amino acid residue is found in multiple mammalian species, which suggests that this missense change does not adversely affect protein function. In summary, the available evidence is currently insufficient to determine the role of this variant in disease. Therefore, it has been classified as a Variant of Uncertain Significance.

NM_174878.3(CLRN1):c.451G>A (p.Val151Ile)

Gene: CLRN1 (clarin 1; minus strand). Cytogenetic location: 3q25.1.
Variant type: single nucleotide variant.
Coding change: c.451G>A on transcript NM_174878.3 (MANE Select); coding-DNA position 451, G replaced by A.
Protein change: p.Val151Ile; replaces valine 151 with isoleucine.
Molecular consequence: missense variant. On other transcripts: 3 prime UTR variant (1), non-coding transcript variant (1).
Genome position (GRCh38, 1-based): chr3:150,928,184, C>T on the plus strand (G>A on the coding strand, the complement: CLRN1 is on the minus strand). VCF-style: chr3-150928184-C-T. GRCh37 (hg19) VCF-style: chr3-150645971-C-T.
Other names: c.490G>A, p.Val164Ile (NM_001195794.1); c.*65G>A (NM_001256819.2); c.223G>A, p.Val75Ile (NM_052995.2); short protein forms V164I, V151I, V75I.
Identifiers: ClinVar variation 2127362 (VCV002127362.1), dbSNP rs753233584, ClinGen allele CA2666036.